The following is an entry in ClinVar:

NM_001042492.3(NF1):c.4895A>G (p.Lys1632Arg)

Gene: NF1 (neurofibromin 1; plus strand). Cytogenetic location: 17q11.2.
Variant type: single nucleotide variant.
Coding change: c.4895A>G on transcript NM_001042492.3 (MANE Select); coding-DNA position 4895, A replaced by G.
Protein change: p.Lys1632Arg; replaces lysine 1632 with arginine.
Molecular consequence: missense variant.
Genome position (GRCh38, 1-based): chr17:31,325,879, A>G. VCF-style: chr17-31325879-A-G. GRCh37 (hg19) VCF-style: chr17-29652897-A-G.
Other names: c.4832A>G, p.Lys1611Arg (NM_000267.4); short protein forms K1611R, K1632R.
Identifiers: ClinVar variation 859654 (VCV000859654.8), dbSNP rs2069327086, ClinGen allele CA399007052.
Genomic context (GRCh38, chr17:31,325,879, plus strand): 5'-GGTTCAAAACTGGTCAAATCAATGGTGATTTGCTGATATACCATGTCTTACTGACTTTAA[A>G]GCCATATTATGCAAAGCCATATGAAATTGTAGTGGACCTTACCCATACCGGGCCTAGCAA-3'
Protein context (NP_001035957.1, residues 1622-1642): LLIYHVLLTL[Lys1632Arg]PYYAKPYEIV

ClinVar aggregate classification (germline): Uncertain significance (1 of 4 stars; one submission).

Conditions:
Neurofibromatosis, type 1 (NF1). Also called: Neurofibromatosis, type I; VON RECKLINGHAUSEN DISEASE; Peripheral type neurofibromatosis; NEUROFIBROMATOSIS, TYPE I, SOMATIC. Identifiers: Orphanet 636, MedGen C0027831, MONDO:0018975, OMIM 162200. Disease mechanism: loss of function.

Allele frequency attached by ClinVar (database versions not stated): TOPMed below 0.00001.

Submission:

Labcorp Genetics (formerly Invitae), Labcorp
Classification: Uncertain significance for Neurofibromatosis, type 1. Last evaluated: 2024-09-16. Review status: criteria provided, single submitter. Criteria: Invitae Variant Classification Sherloc (09022015). Collection method: clinical testing. Allele origin: germline.
Comment: This sequence change replaces lysine, which is basic and polar, with arginine, which is basic and polar, at codon 1611 of the NF1 protein (p.Lys1611Arg). This variant is not present in population databases (gnomAD no frequency). This variant has not been reported in the literature in individuals affected with NF1-related conditions. ClinVar contains an entry for this variant (Variation ID: 859654). Invitae Evidence Modeling of protein sequence and biophysical properties (such as structural, functional, and spatial information, amino acid conservation, physicochemical variation, residue mobility, and thermodynamic stability) indicates that this missense variant is expected to disrupt NF1 protein function with a positive predictive value of 95%. In summary, the available evidence is currently insufficient to determine the role of this variant in disease. Therefore, it has been classified as a Variant of Uncertain Significance.